The following is an entry in ClinVar:

ClinVar aggregate classification (germline): Uncertain significance (1 of 4 stars; one submission).

Conditions:
Frontotemporal dementia and/or amyotrophic lateral sclerosis 4. Also called: FTDALS4. Identifiers: Orphanet 275872, MedGen C4225325, MONDO:0014641, OMIM 616439.

Submission:

Labcorp Genetics (formerly Invitae), Labcorp
Classification: Uncertain significance for Frontotemporal dementia and/or amyotrophic lateral sclerosis 4. Last evaluated: 2022-02-08. Review status: criteria provided, single submitter. Criteria: Invitae Variant Classification Sherloc (09022015). Collection method: clinical testing. Allele origin: germline.
Comment: This variant, c.2080_2082del, results in the deletion of 1 amino acid(s) of the TBK1 protein (p.Lys694del), but otherwise preserves the integrity of the reading frame. This variant has not been reported in the literature in individuals affected with TBK1-related conditions. This variant is not present in population databases (gnomAD no frequency). ClinVar contains an entry for this variant (Variation ID: 935520). Experimental studies and prediction algorithms are not available or were not evaluated, and the functional significance of this variant is currently unknown. In summary, the available evidence is currently insufficient to determine the role of this variant in disease. Therefore, it has been classified as a Variant of Uncertain Significance.

NM_013254.4(TBK1):c.2080_2082del (p.Lys694del)

Gene: TBK1 (TANK binding kinase 1; plus strand). Cytogenetic location: 12q14.2.
Variant type: Deletion.
Coding change: c.2080_2082del on transcript NM_013254.4 (MANE Select); coding-DNA positions 2080 to 2082, 3 bases deleted (AAG; older notation c.2080_2082delAAG).
Protein change: p.Lys694del; deletes lysine 694.
Molecular consequence: inframe deletion.
Genome position (GRCh38, 1-based): chr12:64,497,981-64,497,983, AAG deleted. VCF-style (leftmost placement, unchanged base first): chr12-64497980-AAAG-A. GRCh37 (hg19) VCF-style: chr12-64891760-AAAG-A.
Other names: short protein forms K694del.
Identifiers: ClinVar variation 935520 (VCV000935520.9), dbSNP rs2040947403, ClinGen allele CA1139662765.